The following is an entry in ClinVar:

NM_000268.4(NF2):c.1341G>A (p.Arg447=)

Gene: NF2 (NF2, moesin-ezrin-radixin like (MERLIN) tumor suppressor; plus strand). Cytogenetic location: 22q12.2.
Variant type: single nucleotide variant.
Coding change: c.1341G>A on transcript NM_000268.4 (MANE Select); coding-DNA position 1341, G replaced by A.
Protein change: p.Arg447=; no amino-acid change (arginine 447 retained).
Molecular consequence: synonymous variant. On other transcripts: non-coding transcript variant (1), intron variant (1).
Genome position (GRCh38, 1-based): chr22:29,674,836, G>A. VCF-style: chr22-29674836-G-A. GRCh37 (hg19) VCF-style: chr22-30070825-G-A.
Other names: c.1341G>A, p.Arg447= (NM_016418.5, NM_181825.3, NM_181832.3); c.1215G>A, p.Arg405= (NM_181828.3); c.1218G>A, p.Arg406= (NM_181829.3); c.1092G>A, p.Arg364= (NM_181830.3, NM_181831.3); c.448-19916G>A (NM_181833.3).
Identifiers: ClinVar variation 1043072 (VCV001043072.10), dbSNP rs2066911364, ClinGen allele CA514187655.

ClinVar aggregate classification (germline): Likely benign. Review status: criteria provided, multiple submitters, no conflicts (2 of 4 stars). 4 submissions from 4 submitters: Likely benign (4). Last evaluated 2025-05-26.

Conditions:
Hereditary cancer-predisposing syndrome. Also called: Neoplastic Syndromes, Hereditary; Hereditary Cancer Syndrome; Hereditary neoplastic syndrome; Tumor predisposition. Identifiers: Orphanet 140162, MedGen C0027672, MeSH D009386, MONDO:0015356.
Neurofibromatosis, type 2 (SWNV). Also called: BILATERAL ACOUSTIC NEUROFIBROMATOSIS; NF2-Related Schwannomatosis; SCHWANNOMATOSIS, VESTIBULAR. Identifiers: Orphanet 637, MedGen C0027832, MONDO:0007039, OMIM 101000. Disease mechanism: loss of function.

Allele frequency attached by ClinVar (database versions not stated): gnomAD exomes below 0.00001; TOPMed below 0.00001.
gnomAD v4.1: 2 of 1,555,152 alleles (0.00013%); highest among the groups gnomAD compares: Admixed American, 0.0019%; no homozygotes.

Submissions (4):

Labcorp Genetics (formerly Invitae), Labcorp
Classification: Likely benign for Neurofibromatosis, type 2. Last evaluated: 2025-05-26. Review status: criteria provided, single submitter. Criteria: Invitae Variant Classification Sherloc (09022015). Collection method: clinical testing. Allele origin: germline.

All of Us Research Program, National Institutes of Health
Classification: Likely benign for Neurofibromatosis, type 2. Last evaluated: 2023-07-10. Review status: criteria provided, single submitter. Criteria: ACMG Guidelines, 2015. Collection method: clinical testing. Allele origin: germline. Inheritance: Autosomal dominant inheritance. Observed: 2 variant alleles, 2 heterozygotes.
Comment: This study involves interpretation of variants in research participants for the purpose of population health screening. Participant phenotype was not available at the time of variant classification. Additional details can be found in publication PMID: 35346344, PMCID: PMC8962531

Color Diagnostics, LLC DBA Color Health
Classification: Likely benign for Neurofibromatosis, type 2. Last evaluated: 2023-02-21. Review status: criteria provided, single submitter. Criteria: ACMG Guidelines, 2015. Collection method: clinical testing. Allele origin: germline.

Ambry Genetics
Classification: Likely benign for Hereditary cancer-predisposing syndrome. Last evaluated: 2020-07-10. Review status: criteria provided, single submitter. Criteria: Ambry Variant Classification Scheme 2023. Collection method: clinical testing. Allele origin: germline.